The following is an entry in ClinVar:

ClinVar aggregate classification (germline): Pathogenic (1 of 4 stars; one submission).

Conditions:
Neuronal ceroid lipofuscinosis. Also called: Neuronal Ceroid Lipofuscinoses. Identifiers: Orphanet 216, Orphanet 79263, MedGen C0027877, MONDO:0016295. Disease mechanism: loss of function.

Submission:

Labcorp Genetics (formerly Invitae), Labcorp
Classification: Pathogenic for Neuronal ceroid lipofuscinosis. Last evaluated: 2023-06-15. Review status: criteria provided, single submitter. Criteria: Invitae Variant Classification Sherloc (09022015). Collection method: clinical testing. Allele origin: unknown.
Comment: For these reasons, this variant has been classified as Pathogenic. This variant disrupts a region of the CLN5 protein in which other variant(s) (p.Tyr392*) have been determined to be pathogenic (PMID: 9662406; Invitae). This suggests that this is a clinically significant region of the protein, and that variants that disrupt it are likely to be disease-causing. A similar copy number variant has been observed in individual(s) with neuronal ceroid lipofuscinosis (PMID: 20157158). This variant is a gross deletion of the genomic region encompassing exon(s) 4 of the CLN5 gene, which includes the termination codon. This deletion extends beyond the assayed region for this gene and therefore may encompass additional genes. While this deletion is not anticipated to lead to nonsense mediated decay, it is expected to alter mRNA translation or result in a truncated protein product.

Literature cited by the submitters: PubMed 9662406; PubMed 20157158.

NC_000013.10:g.(?_77574573)_(77575104_?)del

Gene: CLN5 (CLN5 lysosomal BMP synthase; plus strand). Cytogenetic location: 13q22.3.
Variant type: Deletion.
Identifiers: ClinVar variation 3244117 (VCV003244117.1).